The following is an entry in ClinVar:

NM_006206.6(PDGFRA):c.2881-20T>G

Gene: PDGFRA (platelet derived growth factor receptor alpha; plus strand). Cytogenetic location: 4q12.
Variant type: single nucleotide variant.
Coding change: c.2881-20T>G on transcript NM_006206.6 (MANE Select); 20 bases into the intron before coding-DNA position 2881, T replaced by G.
Molecular consequence: intron variant.
Genome position (GRCh38, 1-based): chr4:54,290,293, T>G. VCF-style: chr4-54290293-T-G. GRCh37 (hg19) VCF-style: chr4-55156460-T-G.
Other names: c.2956-20T>G (NM_001347828.2); c.2881-20T>G (NM_001347829.2); c.2920-20T>G (NM_001347830.2).
Identifiers: ClinVar variation 2875644 (VCV002875644.4), dbSNP rs763523429, ClinGen allele CA2922982.

ClinVar aggregate classification (germline): Likely benign. Review status: criteria provided, multiple submitters, no conflicts (2 of 4 stars). 2 submissions from 2 submitters: Likely benign (2). Last evaluated 2026-06-15.

Conditions:
Gastrointestinal stromal tumor. Also called: Gastrointestinal stromal tumor, somatic; Gastrointestinal stroma tumor. Identifiers: Orphanet 44890, MedGen C0238198, MeSH D046152, MONDO:0011719, OMIM 606764, HP:0100723.
Polyps, multiple and recurrent inflammatory fibroid, gastrointestinal. Identifiers: MedGen C5193005, MONDO:0008285, OMIM 175510.

gnomAD v4.1: 9 of 1,593,210 alleles (0.00056%); highest among the groups gnomAD compares: Non-Finnish European, 0.00078%; no homozygotes.

Submissions (2):

Myriad Genetics, Inc.
Classification: Likely benign for Polyps, multiple and recurrent inflammatory fibroid, gastrointestinal. Last evaluated: 2026-06-15. Review status: criteria provided, single submitter. Criteria: Myriad Autosomal Dominant, Autosomal Recessive and X-Linked Classification Criteria (2023). Collection method: clinical testing. Allele origin: unknown.
Comment: This variant is considered likely benign. This variant is intronic and is not expected to impact mRNA splicing. This variant has been observed at a population frequency that is significantly greater than expected given the associated disease prevalence and penetrance.

Labcorp Genetics (formerly Invitae), Labcorp
Classification: Likely benign for Gastrointestinal stromal tumor. Last evaluated: 2024-05-06. Review status: criteria provided, single submitter. Criteria: Invitae Variant Classification Sherloc (09022015). Collection method: clinical testing. Allele origin: germline.